The following is an entry in ClinVar:

NM_032892.5(FRMD5):c.542C>T (p.Thr181Met)

Gene: FRMD5 (FERM domain containing 5; minus strand). Cytogenetic location: 15q15.3.
Variant type: single nucleotide variant.
Coding change: c.542C>T on transcript NM_032892.5 (MANE Select); coding-DNA position 542, C replaced by T.
Protein change: p.Thr181Met; replaces threonine 181 with methionine.
Molecular consequence: missense variant. On other transcripts: 5 prime UTR variant (1), non-coding transcript variant (1).
Genome position (GRCh38, 1-based): chr15:43,905,837, G>A on the plus strand (C>T on the coding strand, the complement: FRMD5 is on the minus strand). VCF-style: chr15-43905837-G-A. GRCh37 (hg19) VCF-style: chr15-44198035-G-A.
Other names: c.275C>T, p.Thr92Met (NM_001286490.2); c.-72C>T (NM_001286491.2); c.542C>T, p.Thr181Met (NM_001322949.2, NM_001322950.2); c.437C>T, p.Thr146Met (NM_001322951.2); short protein forms T146M, T92M, T181M.
Identifiers: ClinVar variation 730910 (VCV000730910.11), dbSNP rs139260307, ClinGen allele CA7532614.

ClinVar aggregate classification (germline): Benign/Likely benign. Review status: criteria provided, multiple submitters, no conflicts (2 of 4 stars). 2 submissions from 2 submitters: Benign (1); Likely benign (1). Last evaluated 2025-07-01.

Allele frequency attached by ClinVar (database versions not stated): gnomAD exomes 0.00111; ExAC 0.00145; gnomAD 0.00394 and 0.00415; 1000 Genomes Project 0.00459; TOPMed 0.00471; ESP Exome Variant Server 0.00477; 1000 Genomes Project 30x 0.00515.

Submissions (2):

CeGaT Center for Human Genetics Tuebingen
Classification: Likely benign. Last evaluated: 2025-07-01. Review status: criteria provided, single submitter. Criteria: CeGaT Center For Human Genetics Tuebingen Variant Classification Criteria Version 2. Collection method: clinical testing. Allele origin: germline. Affected: yes. Observed: 1 variant allele.
Comment: FRMD5: BS1

Labcorp Genetics (formerly Invitae), Labcorp
Classification: Benign. Last evaluated: 2018-05-16. Review status: criteria provided, single submitter. Criteria: Invitae Variant Classification Sherloc (09022015). Collection method: clinical testing. Allele origin: germline.